The following is an entry in ClinVar:

NM_001330360.2(POLA1):c.612C>T (p.Thr204=)

Gene: POLA1 (DNA polymerase alpha 1, catalytic subunit; plus strand). Cytogenetic location: Xp22.11.
Variant type: single nucleotide variant.
Coding change: c.612C>T on transcript NM_001330360.2 (MANE Select); coding-DNA position 612, C replaced by T.
Protein change: p.Thr204=; no amino-acid change (threonine 204 retained).
Molecular consequence: synonymous variant. On other transcripts: non-coding transcript variant (2).
Genome position (GRCh38, 1-based): chrX:24,716,448, C>T. VCF-style: chrX-24716448-C-T. GRCh37 (hg19) VCF-style: chrX-24734565-C-T.
Other names: p.Thr198=; c.612C>T, p.Thr204= (NM_001378303.1); c.594C>T, p.Thr198= (NM_016937.4).
Identifiers: ClinVar variation 2055923 (VCV002055923.6), dbSNP rs772941084, ClinGen allele CA10372818.

ClinVar aggregate classification (germline): Likely benign. Review status: criteria provided, multiple submitters, no conflicts (2 of 4 stars). 3 submissions from 3 submitters: Likely benign (3). Last evaluated 2025-10-16.

Allele frequency attached by ClinVar (database versions not stated): ExAC 0.00001; gnomAD exomes 0.00001; TOPMed 0.00003.
gnomAD v4.1: 7 of 1,093,971 alleles (0.00064%); highest among the groups gnomAD compares: Non-Finnish European, 0.00089%; no homozygotes.

Submissions (3):

Mayo Clinic Laboratories, Mayo Clinic
Classification: Likely benign. Last evaluated: 2025-10-16. Review status: criteria provided, single submitter. Criteria: ACMG Guidelines, 2015. Collection method: clinical testing. Allele origin: germline. Observed: 1 variant allele.
Comment: BP4, BP7, PM2_supporting

Labcorp Genetics (formerly Invitae), Labcorp
Classification: Likely benign. Last evaluated: 2025-06-19. Review status: criteria provided, single submitter. Criteria: Invitae Variant Classification Sherloc (09022015). Collection method: clinical testing. Allele origin: germline.

Blueprint Genetics
Classification: Likely benign. Last evaluated: 2023-12-07. Review status: criteria provided, single submitter. Criteria: ACMG Guidelines, 2015. Collection method: clinical testing. Allele origin: germline.